The following is an entry in ClinVar:

ClinVar aggregate classification (germline): Likely benign (0 of 4 stars; one submission).

Conditions:
DNAAF4-related disorder. Also called: DNAAF4-related condition.

Allele frequency attached by ClinVar (database versions not stated): gnomAD 0.00002; gnomAD exomes 0.00006; ExAC 0.00013.
gnomAD v4.1: 93 of 1,607,180 alleles (0.0058%); highest among the groups gnomAD compares: South Asian, 0.1%; 2 homozygotes.

Submission:

PreventionGenetics, part of Exact Sciences
Classification: Likely benign for DNAAF4-related condition. Last evaluated: 2019-03-25. Review status: no assertion criteria provided. Collection method: clinical testing. Allele origin: germline.
Comment: This variant is classified as likely benign based on ACMG/AMP sequence variant interpretation guidelines (Richards et al. 2015 PMID: 25741868, with internal and published modifications).

NM_130810.4(DNAAF4):c.783+5A>G

Genes: DNAAF4 (dynein axonemal assembly factor 4; minus strand), DNAAF4-CCPG1 (DNAAF4-CCPG1 readthrough (NMD candidate); minus strand). Cytogenetic location: 15q21.3.
Variant type: single nucleotide variant.
Coding change: c.783+5A>G on transcript NM_130810.4 (MANE Select); 5 bases into the intron after coding-DNA position 783, A replaced by G.
Molecular consequence: intron variant.
Genome position (GRCh38, 1-based): chr15:55,450,217, T>C on the plus strand (A>G on the coding strand, the complement: DNAAF4 is on the minus strand). VCF-style: chr15-55450217-T-C. GRCh37 (hg19) VCF-style: chr15-55742415-T-C.
Other names: c.783+5A>G (NM_001033560.2, NM_001033559.3).
Identifiers: ClinVar variation 3046881 (VCV003046881.2), dbSNP rs781340117, ClinGen allele CA7574963.